The following is an entry in ClinVar:

NM_016169.4(SUFU):c.1409A>T (p.Lys470Met)

Gene: SUFU (SUFU negative regulator of hedgehog signaling; plus strand). Cytogenetic location: 10q24.32.
Variant type: single nucleotide variant.
Coding change: c.1409A>T on transcript NM_016169.4 (MANE Select); coding-DNA position 1409, A replaced by T.
Protein change: p.Lys470Met; replaces lysine 470 with methionine.
Molecular consequence: missense variant.
Genome position (GRCh38, 1-based): chr10:102,630,109, A>T. VCF-style: chr10-102630109-A-T. GRCh37 (hg19) VCF-style: chr10-104389866-A-T.
Other names: short protein forms K470M.
Identifiers: ClinVar variation 3226872 (VCV003226872.1), dbSNP rs2492850731, ClinGen allele CA377920888.
Genomic context (GRCh38, chr10:102,630,109, plus strand): 5'-GCTTGCTCCCTCCACAGTTCAAACTTCCCAAAGAGTACAGCTGGCCTGAAAAGAAGCTGA[A>T]GGTCTCCATCCTGCCTGACGTGGTGTTCGACAGTCCGCTACACTAGCCTGGGCTGGGCCC-3'
Protein context (NP_057253.2, residues 460-480): KEYSWPEKKL[Lys470Met]VSILPDVVFD

ClinVar aggregate classification (germline): Uncertain significance (1 of 4 stars; one submission).

Conditions:
Hereditary cancer-predisposing syndrome. Also called: Neoplastic Syndromes, Hereditary; Tumor predisposition; Hereditary neoplastic syndrome; Hereditary Cancer Syndrome. Identifiers: Orphanet 140162, MedGen C0027672, MeSH D009386, MONDO:0015356.

Submission:

Ambry Genetics
Classification: Uncertain significance for Hereditary cancer-predisposing syndrome. Last evaluated: 2023-12-10. Review status: criteria provided, single submitter. Criteria: Ambry Variant Classification Scheme 2023. Collection method: clinical testing. Allele origin: germline.
Comment: The p.K470M variant (also known as c.1409A>T), located in coding exon 12 of the SUFU gene, results from an A to T substitution at nucleotide position 1409. The lysine at codon 470 is replaced by methionine, an amino acid with similar properties. This amino acid position is conserved. In addition, the in silico prediction for this alteration is inconclusive. Since supporting evidence is limited at this time, the clinical significance of this alteration remains unclear.